The following is an entry in ClinVar:

NM_000493.4(COL10A1):c.1796T>C (p.Phe599Ser)

Genes: COL10A1 (collagen type X alpha 1 chain; minus strand), NT5DC1 (5'-nucleotidase domain containing 1; plus strand). Cytogenetic location: 6q22.1.
Variant type: single nucleotide variant.
Coding change: c.1796T>C on transcript NM_000493.4 (MANE Select); coding-DNA position 1796, T replaced by C.
Protein change: p.Phe599Ser; replaces phenylalanine 599 with serine.
Molecular consequence: missense variant. On other transcripts: intron variant (1).
Genome position (GRCh38, 1-based): chr6:116,120,320, A>G on the plus strand (T>C on the coding strand, the complement: COL10A1 is on the minus strand). VCF-style: chr6-116120320-A-G. GRCh37 (hg19) VCF-style: chr6-116441483-A-G.
Other names: c.1796T>C, p.Phe599Ser (NM_001424106.1, NM_001424107.1); c.529+2375A>G (NM_152729.3); short protein forms F599S.
Identifiers: ClinVar variation 449827 (VCV000449827.1), dbSNP rs1554192923, ClinGen allele CA365386832.

ClinVar aggregate classification (germline): Likely pathogenic (1 of 4 stars; one submission).

Submission:

GeneDx
Classification: Likely pathogenic. Last evaluated: 2017-10-20. Review status: criteria provided, single submitter. Criteria: GeneDx Variant Classification (06012015). Collection method: clinical testing. Allele origin: germline. Affected: yes.
Comment: The F599S variant in the COL10A1 gene has been reported previously in an individual with Schmid metaphyseal chondrodysplasia (Bae et al., 2015). The F599S variant is not observed in large population cohorts (Lek et al., 2016). The F599S variant is a non-conservative amino acid substitution, which is likely to impact secondary protein structure as these residues differ in polarity, charge, size and/or other properties. This substitution occurs within the NC1 domain, at a position that is conserved across species. In silico analysis is inconsistent in its predictions as to whether or not the variant is damaging to the protein structure/function. Likely pathogenic missense variants in nearby residues (G595R; Y597H; Y597C) have been reported in the Human Gene Mutation Database in association with Schmid metaphyseal chondrodysplasia (Stenson et al., 2014), supporting the functional importance of this region of the protein. We interpret F599S as a likely pathogenic variant.